The following is an entry in ClinVar:

ClinVar aggregate classification (germline): Uncertain significance (1 of 4 stars; one submission).

Conditions:
Mitochondrial trifunctional protein deficiency. Identifiers: Orphanet 746, MedGen C1969443, MONDO:0012172.

Submission:

Labcorp Genetics (formerly Invitae), Labcorp
Classification: Uncertain significance for Mitochondrial trifunctional protein deficiency. Last evaluated: 2023-10-13. Review status: criteria provided, single submitter. Criteria: Invitae Variant Classification Sherloc (09022015). Collection method: clinical testing. Allele origin: germline.
Comment: This sequence change falls in intron 10 of the HADHB gene. It does not directly change the encoded amino acid sequence of the HADHB protein. It affects a nucleotide within the consensus splice site. This variant is not present in population databases (gnomAD no frequency). This variant has not been reported in the literature in individuals affected with HADHB-related conditions. Variants that disrupt the consensus splice site are a relatively common cause of aberrant splicing (PMID: 17576681, 9536098). Algorithms developed to predict the effect of sequence changes on RNA splicing suggest that this variant is not likely to affect RNA splicing. In summary, the available evidence is currently insufficient to determine the role of this variant in disease. Therefore, it has been classified as a Variant of Uncertain Significance.

Literature cited by the submitters: PubMed 17576681; PubMed 9536098.

NM_000183.3(HADHB):c.933+6del

Gene: HADHB (hydroxyacyl-CoA dehydrogenase trifunctional multienzyme complex subunit beta; plus strand). Cytogenetic location: 2p23.3.
Variant type: Deletion.
Coding change: c.933+6del on transcript NM_000183.3 (MANE Select); 6 bases into the intron after coding-DNA position 933, one base deleted (T; older notation c.933+6delT).
Molecular consequence: intron variant.
Genome position (GRCh38, 1-based): chr2:26,280,121, T deleted. VCF-style (leftmost placement, unchanged base first): chr2-26280120-CT-C. GRCh37 (hg19) VCF-style: chr2-26502988-CT-C.
Other names: c.867+6del (NM_001281513.2); c.888+6del (NM_001281512.2).
Identifiers: ClinVar variation 2969469 (VCV002969469.3), dbSNP rs2465723262, ClinGen allele CA2740092759.